The following is an entry in ClinVar:

NC_000016.9:g.(?_77323141)_(77323328_?)del

Gene: ADAMTS18 (ADAM metallopeptidase with thrombospondin type 1 motif 18; minus strand). Cytogenetic location: 16q23.1.
Variant type: Deletion.
Identifiers: ClinVar variation 1377152 (VCV001377152.4).

ClinVar aggregate classification (germline): Uncertain significance (1 of 4 stars; one submission).

Submission:

Labcorp Genetics (formerly Invitae), Labcorp
Classification: Uncertain significance. Last evaluated: 2022-01-11. Review status: criteria provided, single submitter. Criteria: Invitae Variant Classification Sherloc (09022015). Collection method: clinical testing. Allele origin: germline.
Comment: This variant is a gross deletion of the genomic region encompassing exon(s) 22 of the ADAMTS18 gene. While this deletion is not anticipated to lead to nonsense mediated decay, it is expected to disrupt the C-terminus of the protein. This variant has not been reported in the literature in individuals affected with ADAMTS18-related conditions. In summary, the available evidence is currently insufficient to determine the role of this variant in disease. Therefore, it has been classified as a Variant of Uncertain Significance.